The following is an entry in ClinVar:

NM_022552.5(DNMT3A):c.2567_2568del (p.Glu856fs)

Gene: DNMT3A (DNA methyltransferase 3 alpha; minus strand). Cytogenetic location: 2p23.3.
Variant type: Microsatellite.
Coding change: c.2567_2568del on transcript NM_022552.5 (MANE Select); coding-DNA positions 2567 to 2568, 2 bases deleted (AG; older notation c.2567_2568delAG).
Protein change: p.Glu856fs; shifts the reading frame from glutamic acid 856.
Molecular consequence: frameshift variant. On other transcripts: non-coding transcript variant (1).
Genome position (GRCh38, 1-based): chr2:25,235,736-25,235,737, CT deleted on the plus strand (AG on the coding strand, the reverse complement: DNMT3A is on the minus strand); deleting any 2 consecutive bases within chr2:25,235,736-25,235,739 gives the same sequence; the c. name uses the placement nearest the transcript's 3' end. VCF-style (leftmost placement, unchanged base first): chr2-25235735-CCT-C. GRCh37 (hg19) VCF-style: chr2-25458604-CCT-C.
Other names: c.2111_2112del, p.Glu704fs (NM_001320893.1); c.1898_1899del, p.Glu633fs (NM_001375819.1); c.2000_2001del, p.Glu667fs (NM_153759.3); c.2567_2568del, p.Glu856fs (NM_175629.2); c.2567_2568delAG (NM_175629.2); short protein forms E667fs, E856fs, E633fs, E704fs.
Identifiers: ClinVar variation 4996617 (VCV004996617.1).
Genomic context (GRCh38, chr2:25,235,735, plus strand): 5'-ACCGCAGCCAGATGCCAGCACAACCCGGGTACCTTTCCATTTCAGTGCACCATAAGATGT[CCT>C]CTTTCTCATTCATGAAGACAGGAAAATGCTGGTCTTTGCCCTGCTTTATGGAGTTTGACC-3'

ClinVar aggregate classification (germline): Likely pathogenic (1 of 4 stars; one submission).

Conditions:
DNMT3A-related disorder. Also called: DNMT3A-related disorders; DNMT3A-related condition.

Submission:

PreventionGenetics, part of Exact Sciences
Classification: Likely pathogenic for DNMT3A-related condition. Last evaluated: 2025-10-24. Review status: criteria provided, single submitter. Criteria: ACMG Guidelines, 2015. Collection method: clinical testing. Allele origin: germline.
Comment: The DNMT3A c.2567_2568delAG variant is predicted to result in a frameshift and premature protein termination (p.Glu856Glyfs*7). To our knowledge, this variant has not been reported in the literature or in a large population database (gnomAD), indicating this variant is rare. Frameshift variants in DNMT3A are expected to be pathogenic, including two variants downstream of this position (Jiménez de la Peña. 2024. PubMed ID: 37795572; Table S1, Tatton-Brown. 2017. PubMed ID: 28475857). This variant is interpreted as likely pathogenic.